The following is an entry in ClinVar:

NM_177417.3(KLC3):c.1473T>G (p.Pro491=)

Genes: ERCC2 (ERCC excision repair 2, TFIIH core complex helicase subunit; minus strand), KLC3 (kinesin light chain 3; plus strand). Cytogenetic location: 19q13.32.
Variant type: single nucleotide variant.
Coding change: c.1473T>G on transcript NM_177417.3 (MANE Select); coding-DNA position 1473, T replaced by G.
Protein change: p.Pro491=; no amino-acid change (proline 491 retained).
Molecular consequence: synonymous variant. On other transcripts: 3 prime UTR variant (1).
Genome position (GRCh38, 1-based): chr19:45,351,315, T>G. VCF-style: chr19-45351315-T-G. GRCh37 (hg19) VCF-style: chr19-45854573-T-G.
Other names: c.*314A>C (NM_000400.4).
Identifiers: ClinVar variation 3778177 (VCV003778177.7).

ClinVar aggregate classification (germline): Likely benign (1 of 4 stars; one submission).

gnomAD v4.1: 5 of 1,612,430 alleles (0.00031%); highest among the groups gnomAD compares: Non-Finnish European, 0.00042%; no homozygotes.

Submission:

CeGaT Center for Human Genetics Tuebingen
Classification: Likely benign. Last evaluated: 2025-03-01. Review status: criteria provided, single submitter. Criteria: CeGaT Center For Human Genetics Tuebingen Variant Classification Criteria Version 2. Collection method: clinical testing. Allele origin: germline. Affected: yes. Observed: 1 variant allele.
Comment: KLC3: BP4, BP7